The following is an entry in ClinVar:

ClinVar aggregate classification (germline): Benign/Likely benign. Review status: criteria provided, multiple submitters, no conflicts (2 of 4 stars). 12 submissions from 12 submitters: Benign (10); Likely benign (2). Last evaluated 2026-09-01.

Conditions:
Hereditary cancer-predisposing syndrome. Also called: Tumor predisposition; Neoplastic Syndromes, Hereditary; Hereditary neoplastic syndrome; Hereditary Cancer Syndrome. Identifiers: Orphanet 140162, MedGen C0027672, MeSH D009386, MONDO:0015356.
Neuroblastoma, susceptibility to, 3. Also called: ALK-Related Neuroblastic Tumor Susceptibility. Identifiers: Orphanet 635, MedGen C2751681, MONDO:0013083, OMIM 613014.

Allele frequency attached by ClinVar (database versions not stated): 1000 Genomes Project 30x 0.00234; 1000 Genomes Project 0.00300; gnomAD 0.00043 and 0.00083; TOPMed 0.00068; ESP Exome Variant Server 0.00138.
gnomAD v4.1: 2,082 of 1,614,212 alleles (0.13%); highest among the groups gnomAD compares: South Asian, 1.3%; 25 homozygotes.

Submissions (12):

CeGaT Center for Human Genetics Tuebingen
Classification: Benign. Last evaluated: 2026-09-01. Review status: criteria provided, single submitter. Criteria: CeGaT Center For Human Genetics Tuebingen Variant Classification Criteria Version 2. Collection method: clinical testing. Allele origin: germline. Affected: yes. Observed: 14 variant alleles.
Comment: ALK: BP4, BS1, BS2

Labcorp Genetics (formerly Invitae), Labcorp
Classification: Benign for Neuroblastoma, susceptibility to, 3. Last evaluated: 2026-02-02. Review status: criteria provided, single submitter. Criteria: Invitae Variant Classification Sherloc (09022015). Collection method: clinical testing. Allele origin: germline.

Blueprint Genetics
Classification: Likely benign. Last evaluated: 2024-11-26. Review status: criteria provided, single submitter. Criteria: ACMG Guidelines, 2015. Collection method: clinical testing. Allele origin: germline.

KCCC/NGS Laboratory, Kuwait Cancer Control Center
Classification: Benign for Neuroblastoma, susceptibility to, 3. Last evaluated: 2023-07-07. Review status: criteria provided, single submitter. Criteria: ACMG Guidelines, 2015. Collection method: clinical testing. Allele origin: germline. Affected: yes.

Fulgent Genetics
Classification: Likely benign for Neuroblastoma, susceptibility to, 3. Last evaluated: 2022-05-24. Review status: criteria provided, single submitter. Criteria: ACMG Guidelines, 2015. Collection method: clinical testing. Allele origin: unknown.

Genetic Services Laboratory, University of Chicago
Classification: Benign. Last evaluated: 2021-07-06. Review status: criteria provided, single submitter. Criteria: ACMG Guidelines, 2015. Collection method: clinical testing. Allele origin: germline. Affected: no.

GeneDx
Classification: Benign. Last evaluated: 2019-08-20. Review status: criteria provided, single submitter. Criteria: GeneDx Variant Classification Process June 2021. Collection method: clinical testing. Allele origin: germline. Affected: yes.
Comment: This variant is associated with the following publications: (PMID: 28873162)

Women's Health and Genetics/Laboratory Corporation of America, LabCorp
Classification: Benign. Last evaluated: 2019-05-14. Review status: criteria provided, single submitter. Criteria: LabCorp Variant Classification Summary - May 2015. Collection method: clinical testing. Allele origin: germline.
Comment: Variant summary: ALK c.3057C>A alters a non-conserved nucleotide resulting in a synonymous change. 5/5 computational tools predict no significant impact on normal splicing. However, these predictions have yet to be confirmed by functional studies. The variant allele was found at a frequency of 0.0026 in 251350 control chromosomes in the gnomAD database, including 10 homozygotes. The observed variant frequency is approximately 6216 fold of the estimated maximal expected allele frequency for a pathogenic variant in ALK causing Neuroblastoma, Susceptibility Type 3 phenotype (4.2e-07), strongly suggesting that the variant is benign. To our knowledge, no occurrence of c.3057C>A in individuals affected with Neuroblastoma, Susceptibility Type 3 and no experimental evidence demonstrating its impact on protein function have been reported. Three clinical diagnostic laboratories have submitted clinical-significance assessments for this variant to ClinVar after 2014 without evidence for independent evaluation (benign (n=1), likely benign (n=2)). Based on the evidence outlined above, the variant was classified as benign.

ARUP Laboratories, Molecular Genetics and Genomics, ARUP Laboratories
Classification: Benign for Neuroblastoma, susceptibility to, 3. Last evaluated: 2018-09-28. Review status: criteria provided, single submitter. Criteria: ARUP Molecular Germline Variant Investigation Process. Collection method: clinical testing. Allele origin: germline.

Ambry Genetics
Classification: Benign for Hereditary cancer-predisposing syndrome. Last evaluated: 2018-09-14. Review status: criteria provided, single submitter. Criteria: Ambry Variant Classification Scheme 2023. Collection method: clinical testing. Allele origin: germline.

Illumina Laboratory Services, Illumina
Classification: Benign for Neuroblastoma, susceptibility to, 3. Last evaluated: 2018-01-13. Review status: criteria provided, single submitter. Criteria: ICSL Variant Classification Criteria 13 December 2019. Collection method: clinical testing. Allele origin: germline.
Comment: This variant was observed in the ICSL laboratory as part of a predisposition screen in an ostensibly healthy population. It had not been previously curated by ICSL or reported in the Human Gene Mutation Database (HGMD: prior to June 1st, 2018), and was therefore a candidate for classification through an automated scoring system. Utilizing variant allele frequency, disease prevalence and penetrance estimates, and inheritance mode, an automated score was calculated to assess if this variant is too frequent to cause the disease. Based on the score and internal cut-off values, a variant classified as benign is not then subjected to further curation. The score for this variant resulted in a classification of benign for this disease.

Breakthrough Genomics
Classification: Benign. Review status: criteria provided, single submitter. Criteria: ACMG Guidelines, 2015. Collection method: not provided. Allele origin: germline. Inheritance: Unknown mechanism. Affected: yes.

NM_004304.5(ALK):c.3057C>A (p.Val1019=)

Gene: ALK (ALK receptor tyrosine kinase; minus strand). Cytogenetic location: 2p23.2.
Variant type: single nucleotide variant.
Coding change: c.3057C>A on transcript NM_004304.5 (MANE Select); coding-DNA position 3057, C replaced by A.
Protein change: p.Val1019=; no amino-acid change (valine 1019 retained).
Molecular consequence: synonymous variant.
Genome position (GRCh38, 1-based): chr2:29,226,932, G>T on the plus strand (C>A on the coding strand, the complement: ALK is on the minus strand). VCF-style: chr2-29226932-G-T. GRCh37 (hg19) VCF-style: chr2-29449798-G-T.
Identifiers: ClinVar variation 335698 (VCV000335698.56), dbSNP rs138406372, ClinGen allele CA1594107.